The following is an entry in ClinVar:

NM_001330260.2(SCN8A):c.3269C>T (p.Pro1090Leu)

Gene: SCN8A (sodium voltage-gated channel alpha subunit 8; plus strand). Cytogenetic location: 12q13.13.
Variant type: single nucleotide variant.
Coding change: c.3269C>T on transcript NM_001330260.2 (MANE Select); coding-DNA position 3269, C replaced by T.
Protein change: p.Pro1090Leu; replaces proline 1090 with leucine.
Molecular consequence: missense variant.
Genome position (GRCh38, 1-based): chr12:51,769,232, C>T. VCF-style: chr12-51769232-C-T. GRCh37 (hg19) VCF-style: chr12-52163016-C-T.
Other names: c.3269C>T, p.Pro1090Leu (NM_001177984.3, NM_001369788.1, NM_014191.4); short protein forms P1090L.
Identifiers: ClinVar variation 968025 (VCV000968025.11), dbSNP rs767071719, ClinGen allele CA6571569.

ClinVar aggregate classification (germline): Uncertain significance. Review status: criteria provided, multiple submitters, no conflicts (2 of 4 stars). 2 submissions from 2 submitters: Uncertain significance (2). Last evaluated 2024-07-10.

Conditions:
Early-infantile DEE. Also called: Ohtahara syndrome; Early infantile epileptic encephalopathy with suppression bursts; Early infantile epileptic encephalopathy. Identifiers: Orphanet 1934, MedGen C0393706, MONDO:0800491.

Allele frequency attached by ClinVar (database versions not stated): gnomAD exomes below 0.00001; TOPMed below 0.00001; ExAC 0.00001; gnomAD 0.00001.
gnomAD v4.1: 3 of 1,613,838 alleles (0.00019%); highest among the groups gnomAD compares: South Asian, 0.0011%; no homozygotes.

Submissions (2):

GeneDx
Classification: Uncertain significance. Last evaluated: 2024-07-10. Review status: criteria provided, single submitter. Criteria: GeneDx Variant Classification Process June 2021. Collection method: clinical testing. Allele origin: germline. Affected: yes.
Comment: In silico analysis supports that this missense variant has a deleterious effect on protein structure/function; Has not been previously published as pathogenic or benign to our knowledge; This substitution is predicted to be in the cytoplasmic loop between the second and third homologous domains

Labcorp Genetics (formerly Invitae), Labcorp
Classification: Uncertain significance for Early-infantile DEE. Last evaluated: 2023-03-17. Review status: criteria provided, single submitter. Criteria: Invitae Variant Classification Sherloc (09022015). Collection method: clinical testing. Allele origin: germline.
Comment: In summary, the available evidence is currently insufficient to determine the role of this variant in disease. Therefore, it has been classified as a Variant of Uncertain Significance. Advanced modeling of protein sequence and biophysical properties (such as structural, functional, and spatial information, amino acid conservation, physicochemical variation, residue mobility, and thermodynamic stability) performed at Invitae indicates that this missense variant is not expected to disrupt SCN8A protein function. ClinVar contains an entry for this variant (Variation ID: 968025). This variant has not been reported in the literature in individuals affected with SCN8A-related conditions. This variant is present in population databases (rs767071719, gnomAD 0.0009%). This sequence change replaces proline, which is neutral and non-polar, with leucine, which is neutral and non-polar, at codon 1090 of the SCN8A protein (p.Pro1090Leu).